The following is an entry in ClinVar:

ClinVar aggregate classification (germline): Likely benign (0 of 4 stars; one submission).

Conditions:
ITGA9-related disorder. Also called: ITGA9-related condition.

Allele frequency attached by ClinVar (database versions not stated): 1000 Genomes Project 0.00220; 1000 Genomes Project 30x 0.00234.
gnomAD v4.1: 301 of 1,613,700 alleles (0.019%); highest among the groups gnomAD compares: South Asian, 0.29%; 5 homozygotes.

Submission:

PreventionGenetics, part of Exact Sciences
Classification: Likely benign for ITGA9-related condition. Last evaluated: 2019-06-05. Review status: no assertion criteria provided. Collection method: clinical testing. Allele origin: germline.
Comment: This variant is classified as likely benign based on ACMG/AMP sequence variant interpretation guidelines (Richards et al. 2015 PMID: 25741868, with internal and published modifications).

NM_002207.3(ITGA9):c.1917-7G>T

Gene: ITGA9 (integrin subunit alpha 9; plus strand). Cytogenetic location: 3p22.2.
Variant type: single nucleotide variant.
Coding change: c.1917-7G>T on transcript NM_002207.3 (MANE Select); 7 bases into the intron before coding-DNA position 1917, G replaced by T.
Molecular consequence: intron variant.
Genome position (GRCh38, 1-based): chr3:37,683,858, G>T. VCF-style: chr3-37683858-G-T. GRCh37 (hg19) VCF-style: chr3-37725349-G-T.
Identifiers: ClinVar variation 3043753 (VCV003043753.2), dbSNP rs372970747, ClinGen allele CA2311002.